The following is an entry in ClinVar:

NM_000091.5(COL4A3):c.1390G>C (p.Gly464Arg)

Genes: COL4A3 (collagen type IV alpha 3 chain; plus strand), MFF-DT (MFF divergent transcript; minus strand). Cytogenetic location: 2q36.3.
Variant type: single nucleotide variant.
Coding change: c.1390G>C on transcript NM_000091.5 (MANE Select); coding-DNA position 1390, G replaced by C.
Protein change: p.Gly464Arg; replaces glycine 464 with arginine.
Molecular consequence: missense variant.
Genome position (GRCh38, 1-based): chr2:227,266,491, G>C. VCF-style: chr2-227266491-G-C. GRCh37 (hg19) VCF-style: chr2-228131207-G-C.
Other names: short protein forms G464R.
Identifiers: ClinVar variation 4292629 (VCV004292629.1).

ClinVar aggregate classification (germline): Likely pathogenic (1 of 4 stars; one submission).

Conditions:
Alport syndrome 3b, autosomal recessive. Identifiers: MedGen C5882699, MONDO:0957811, OMIM 620536.

Submission:

3billion
Classification: Likely pathogenic for Alport syndrome 3b, autosomal recessive. Last evaluated: 2024-12-31. Review status: criteria provided, single submitter. Criteria: ACMG Guidelines, 2015. Collection method: clinical testing. Allele origin: germline. Affected: yes.
Comment: The variant is not observed in the gnomAD v4.1.0 dataset. Predicted Consequence/Location: Missense variant In silico tool predictions suggest damaging effect of the variant on gene or gene product [REVEL: 0.94 (>=0.6, sensitivity 0.68 and specificity 0.92); 3Cnet: 0.94 (>=0.6, sensitivity 0.72 and precision 0.9)]. A different nucleotide change resulting in the same amino acid change has been previously reported to be associated with COL4A3-related disorder(PMID: 37097554). Different missense changes at the same codon (p.Gly464Glu, p.Gly464Val) have been reported as pathogenic/likely pathogenic with strong evidence (ClinVar ID: VCV001470896, VCV002734416 /PMID: 14582039). Therefore, this variant is classified as Likely pathogenic according to the recommendation of ACMG/AMP guideline.

Literature cited by the submitters: PubMed 37097554; PubMed 14582039.